The following is an entry in ClinVar:

NM_001042492.3(NF1):c.7988C>G (p.Ser2663Cys)

Gene: NF1 (neurofibromin 1; plus strand). Cytogenetic location: 17q11.2.
Variant type: single nucleotide variant.
Coding change: c.7988C>G on transcript NM_001042492.3 (MANE Select); coding-DNA position 7988, C replaced by G.
Protein change: p.Ser2663Cys; replaces serine 2663 with cysteine.
Molecular consequence: missense variant.
Genome position (GRCh38, 1-based): chr17:31,358,497, C>G. VCF-style: chr17-31358497-C-G. GRCh37 (hg19) VCF-style: chr17-29685515-C-G.
Other names: c.7925C>G, p.Ser2642Cys (NM_000267.4); short protein forms S2642C, S2663C.
Identifiers: ClinVar variation 429009 (VCV000429009.13), dbSNP rs786202579, ClinGen allele CA399203623.

ClinVar aggregate classification (germline): Uncertain significance. Review status: criteria provided, multiple submitters, no conflicts (2 of 4 stars). 4 submissions from 4 submitters: Uncertain significance (4). Last evaluated 2025-12-21.

Conditions:
Hereditary cancer-predisposing syndrome. Also called: Hereditary neoplastic syndrome; Tumor predisposition; Neoplastic Syndromes, Hereditary; Hereditary Cancer Syndrome. Identifiers: Orphanet 140162, MedGen C0027672, MeSH D009386, MONDO:0015356.
Cardiovascular phenotype. Identifiers: MedGen CN230736.
Neurofibromatosis, type 1 (NF1). Also called: Neurofibromatosis, type I; NEUROFIBROMATOSIS, TYPE I, SOMATIC; Peripheral type neurofibromatosis; VON RECKLINGHAUSEN DISEASE. Identifiers: Orphanet 636, MedGen C0027831, MONDO:0018975, OMIM 162200. Disease mechanism: loss of function.

Allele frequency attached by ClinVar (database versions not stated): TOPMed below 0.00001.
gnomAD v4.1: 1 of 1,613,744 alleles (0.000062%); highest among the groups gnomAD compares: African/African-American, 0.0013%; no homozygotes.

Submissions (4):

Labcorp Genetics (formerly Invitae), Labcorp
Classification: Uncertain significance for Neurofibromatosis, type 1. Last evaluated: 2025-12-21. Review status: criteria provided, single submitter. Criteria: Invitae Variant Classification Sherloc (09022015). Collection method: clinical testing. Allele origin: germline.
Comment: This sequence change replaces serine, which is neutral and polar, with cysteine, which is neutral and slightly polar, at codon 2642 of the NF1 protein (p.Ser2642Cys). This variant is not present in population databases (gnomAD no frequency). This variant has not been reported in the literature in individuals affected with NF1-related conditions. ClinVar contains an entry for this variant (Variation ID: 429009). Invitae Evidence Modeling of protein sequence and biophysical properties (such as structural, functional, and spatial information, amino acid conservation, physicochemical variation, residue mobility, and thermodynamic stability) has been performed for this missense variant. However, the output from this modeling did not meet the statistical confidence thresholds required to predict the impact of this variant on NF1 protein function. In summary, the available evidence is currently insufficient to determine the role of this variant in disease. Therefore, it has been classified as a Variant of Uncertain Significance.

GeneDx
Classification: Uncertain significance. Last evaluated: 2024-02-21. Review status: criteria provided, single submitter. Criteria: GeneDx Variant Classification Process June 2021. Collection method: clinical testing. Allele origin: germline. Affected: yes.
Comment: Not observed at significant frequency in large population cohorts (gnomAD); In silico analysis supports that this missense variant has a deleterious effect on protein structure/function; Has not been previously published as pathogenic or benign to our knowledge; This variant is associated with the following publications: (PMID: 25486365)

Ambry Genetics
Classification: Uncertain significance for Cardiovascular phenotype; Hereditary cancer-predisposing syndrome. Last evaluated: 2023-07-12. Review status: criteria provided, single submitter. Criteria: Ambry Variant Classification Scheme 2023. Collection method: clinical testing. Allele origin: germline.
Comment: The p.S2642C variant (also known as c.7925C>G), located in coding exon 54 of the NF1 gene, results from a C to G substitution at nucleotide position 7925. The serine at codon 2642 is replaced by cysteine, an amino acid with dissimilar properties. This amino acid position is highly conserved in available vertebrate species. In addition, the in silico prediction for this alteration is inconclusive. Since supporting evidence is limited at this time, the clinical significance of this alteration remains unclear.

Genome-Nilou Lab
Classification: Uncertain significance for Neurofibromatosis, type 1. Last evaluated: 2022-03-15. Review status: criteria provided, single submitter. Criteria: ACMG Guidelines, 2015. Collection method: clinical testing. Allele origin: germline. Affected: no.